The following is an entry in ClinVar:

ClinVar aggregate classification (germline): Uncertain significance. Review status: criteria provided, multiple submitters, no conflicts (2 of 4 stars). 2 submissions from 2 submitters: Uncertain significance (2). Last evaluated 2025-10-31.

Conditions:
SOS1-related disorder. Also called: SOS1-related condition.
RASopathy. Also called: Noonan spectrum disorder; rasopathies. Identifiers: Orphanet 536391, MedGen C5555857, MONDO:0021060.

Allele frequency attached by ClinVar (database versions not stated): ExAC 0.00001; gnomAD exomes 0.00001.
gnomAD v4.1: 7 of 1,612,186 alleles (0.00043%); highest among the groups gnomAD compares: East Asian, 0.016%; no homozygotes.

Submissions (2):

PreventionGenetics, part of Exact Sciences
Classification: Uncertain significance for SOS1-related condition. Last evaluated: 2025-10-31. Review status: criteria provided, single submitter. Criteria: ACMG Guidelines, 2015. Collection method: clinical testing. Allele origin: germline.
Comment: The SOS1 c.1569T>G variant is predicted to result in the amino acid substitution p.Ser523Arg. To our knowledge, this variant has not been reported in the literature. This variant is reported in 0.0055% of alleles in individuals of East Asian descent in gnomAD. At this time, the clinical significance of this variant is uncertain due to the absence of conclusive functional and genetic evidence.

Labcorp Genetics (formerly Invitae), Labcorp
Classification: Uncertain significance for RASopathy. Last evaluated: 2023-09-17. Review status: criteria provided, single submitter. Criteria: Invitae Variant Classification Sherloc (09022015). Collection method: clinical testing. Allele origin: germline.
Comment: In summary, the available evidence is currently insufficient to determine the role of this variant in disease. Therefore, it has been classified as a Variant of Uncertain Significance. Advanced modeling of protein sequence and biophysical properties (such as structural, functional, and spatial information, amino acid conservation, physicochemical variation, residue mobility, and thermodynamic stability) performed at Invitae indicates that this missense variant is not expected to disrupt SOS1 protein function. This variant has not been reported in the literature in individuals affected with SOS1-related conditions. This variant is not present in population databases (gnomAD no frequency). This sequence change replaces serine, which is neutral and polar, with arginine, which is basic and polar, at codon 523 of the SOS1 protein (p.Ser523Arg).

NM_005633.4(SOS1):c.1569T>G (p.Ser523Arg)

Gene: SOS1 (SOS Ras/Rac guanine nucleotide exchange factor 1; minus strand). Cytogenetic location: 2p22.1.
Variant type: single nucleotide variant.
Coding change: c.1569T>G on transcript NM_005633.4 (MANE Select); coding-DNA position 1569, T replaced by G.
Protein change: p.Ser523Arg; replaces serine 523 with arginine.
Molecular consequence: missense variant.
Genome position (GRCh38, 1-based): chr2:39,022,859, A>C on the plus strand (T>G on the coding strand, the complement: SOS1 is on the minus strand). VCF-style: chr2-39022859-A-C. GRCh37 (hg19) VCF-style: chr2-39250000-A-C.
Other names: c.1548T>G, p.Ser516Arg (NM_001382394.1); c.1569T>G, p.Ser523Arg (NM_001382395.1); short protein forms S516R, S523R.
Identifiers: ClinVar variation 3016320 (VCV003016320.4), dbSNP rs772693927, ClinGen allele CA1624580.